The following is an entry in ClinVar:

NM_001376.5(DYNC1H1):c.13497T>A (p.Gly4499=)

Gene: DYNC1H1 (dynein cytoplasmic 1 heavy chain 1; plus strand). Cytogenetic location: 14q32.31.
Variant type: single nucleotide variant.
Coding change: c.13497T>A on transcript NM_001376.5 (MANE Select); coding-DNA position 13497, T replaced by A.
Protein change: p.Gly4499=; no amino-acid change (glycine 4499 retained).
Molecular consequence: synonymous variant.
Genome position (GRCh38, 1-based): chr14:102,049,564, T>A. VCF-style: chr14-102049564-T-A. GRCh37 (hg19) VCF-style: chr14-102515901-T-A.
Identifiers: ClinVar variation 515300 (VCV000515300.4), dbSNP rs1555412704, ClinGen allele CA488186900.
Genomic context (GRCh38, chr14:102,049,564, plus strand): 5'-GTCCGACTTCAGCGAGAGGATCAAACAGCTGCAGAACATCTCACTGGCAGCTGCATCTGG[T>A]GGCGCCAAGGAGCTAAAGGTGAAGGCGCTCCTGACGAGTCTCGGGTGGTCAGCAGCTGTC-3'
Protein context (NP_001367.2, residues 4489-4509): LQNISLAAAS[Gly4499=]GAKELKNIHV

ClinVar aggregate classification (germline): Likely benign. Review status: criteria provided, multiple submitters, no conflicts (2 of 4 stars). 2 submissions from 2 submitters: Likely benign (2). Last evaluated 2023-11-19.

Conditions:
Charcot-Marie-Tooth disease axonal type 2O. Also called: CHARCOT-MARIE-TOOTH NEUROPATHY, AXONAL, TYPE 2O; CHARCOT-MARIE-TOOTH DISEASE, AXONAL, AUTOSOMAL DOMINANT, TYPE 2O; Charcot-Marie-Tooth disease, axonal, type 20; Charcot-Marie-Tooth Neuropathy Type 2O. Identifiers: Orphanet 284232, MedGen C3280220, MONDO:0013644, OMIM 614228.

Submissions (2):

Labcorp Genetics (formerly Invitae), Labcorp
Classification: Likely benign for Charcot-Marie-Tooth disease axonal type 2O. Last evaluated: 2023-11-19. Review status: criteria provided, single submitter. Criteria: Invitae Variant Classification Sherloc (09022015). Collection method: clinical testing. Allele origin: germline.

GeneDx
Classification: Likely benign. Last evaluated: 2018-02-08. Review status: criteria provided, single submitter. Criteria: GeneDx Variant Classification (06012015). Collection method: clinical testing. Allele origin: germline. Affected: yes.
Comment: This variant is considered likely benign or benign based on one or more of the following criteria: it is a conservative change, it occurs at a poorly conserved position in the protein, it is predicted to be benign by multiple in silico algorithms, and/or has population frequency not consistent with disease.